The following is an entry in ClinVar:

ClinVar aggregate classification (germline): Uncertain significance (1 of 4 stars; one submission).

Allele frequency attached by ClinVar (database versions not stated): gnomAD 0.00001.
gnomAD v4.1: 1 of 1,600,574 alleles (0.000062%); highest among the groups gnomAD compares: Non-Finnish European, 0.000085%; no homozygotes.

Submission:

GeneDx
Classification: Uncertain significance. Last evaluated: 2020-08-26. Review status: criteria provided, single submitter. Criteria: GeneDx Variant Classification Process June 2021. Collection method: clinical testing. Allele origin: germline. Affected: yes.
Comment: Not observed in large population cohorts (Lek et al., 2016); In silico analysis supports that this missense variant does not alter protein structure/function; Has not been previously published as pathogenic or benign to our knowledge; Occurs in the triple helical domain at the X position in the canonical Gly-X-Y repeat; although this variant may have an effect on normal protein folding and function, missense substitution at the X position is not a common mechanism of disease (Symoens et al., 2012; Stenson et al., 2014)

NM_000093.5(COL5A1):c.3622C>T (p.Leu1208Phe)

Gene: COL5A1 (collagen type V alpha 1 chain; plus strand). Cytogenetic location: 9q34.3.
Variant type: single nucleotide variant.
Coding change: c.3622C>T on transcript NM_000093.5 (MANE Select); coding-DNA position 3622, C replaced by T.
Protein change: p.Leu1208Phe; replaces leucine 1208 with phenylalanine.
Molecular consequence: missense variant.
Genome position (GRCh38, 1-based): chr9:134,811,531, C>T. VCF-style: chr9-134811531-C-T. GRCh37 (hg19) VCF-style: chr9-137703377-C-T.
Other names: p.L1208F:CTT>TTT; c.3622C>T, p.Leu1208Phe (NM_001278074.1); short protein forms L1208F.
Identifiers: ClinVar variation 212964 (VCV000212964.4), dbSNP rs863223450, ClinGen allele CA325125.